The following is an entry in ClinVar:

ClinVar aggregate classification (germline): Uncertain significance (1 of 4 stars; one submission).

Submission:

GeneDx
Classification: Uncertain significance. Last evaluated: 2013-03-13. Review status: criteria provided, single submitter. Criteria: GeneDx Variant Classification (06012015). Collection method: clinical testing. Allele origin: germline. Affected: yes.
Comment: Missense variants in the TTN gene are considered 'unclassified' if they are not previously reported in the literature and do not have >1% frequency in the population to be considered a polymorphism. Research indicates that truncating mutations in the TTN gene are expected to account for approximately 25% of familial and 18% of sporadic idiopathic DCM; however, truncating variants in the TTN gene have been reported in approximately 3% of reported control alleles. There has been little investigation into non-truncating variants. (Herman D et al. Truncations of titin causing dilated cardiomyopathy. N Eng J Med 366:619-628, 2012) The variant is found in DCM panel(s).

NM_001267550.2(TTN):c.1754A>G (p.Glu585Gly)

Gene: TTN (titin; minus strand). Cytogenetic location: 2q31.2.
Variant type: single nucleotide variant.
Coding change: c.1754A>G on transcript NM_001267550.2 (MANE Select); coding-DNA position 1754, A replaced by G.
Protein change: p.Glu585Gly; replaces glutamic acid 585 with glycine.
Molecular consequence: missense variant. On other transcripts: intron variant (3).
Genome position (GRCh38, 1-based): chr2:178,790,754, T>C on the plus strand (A>G on the coding strand, the complement: TTN is on the minus strand). VCF-style: chr2-178790754-T-C. GRCh37 (hg19) VCF-style: chr2-179655481-T-C.
Other names: p.E585G:GAA>GGA; c.1754A>G, p.Glu585Gly (NM_133378.4, NM_133379.5, NM_001256850.1); c.1663-639A>G (NM_003319.4, NM_133437.4, NM_133432.3); short protein forms E585G.
Identifiers: ClinVar variation 202618 (VCV000202618.2), dbSNP rs794729425, ClinGen allele CA309770.